The following is an entry in ClinVar:

NM_001128148.3(TFRC):c.304_305delinsAA (p.Ala102Lys)

Gene: TFRC (transferrin receptor; minus strand). Cytogenetic location: 3q29.
Variant type: Indel.
Coding change: c.304_305delinsAA on transcript NM_001128148.3 (MANE Select); coding-DNA positions 304 to 305, GC replaced by AA.
Protein change: p.Ala102Lys; replaces alanine 102 with lysine.
Molecular consequence: missense variant. On other transcripts: intron variant (1).
Genome position (GRCh38, 1-based): chr3:196,074,059-196,074,060, GC replaced by TT on the plus strand (GC replaced by AA on the coding strand, the reverse complement: TFRC is on the minus strand). VCF-style: chr3-196074059-GC-TT. GRCh37 (hg19) VCF-style: chr3-195800930-GC-TT.
Other names: c.61_62delinsAA, p.Ala21Lys (NM_001313965.2); c.304_305delinsAA, p.Ala102Lys (NM_003234.4); c.-412-1908_-412-1907delinsAA (NM_001313966.2); short protein forms A102K, A21K.
Identifiers: ClinVar variation 2417948 (VCV002417948.6), dbSNP rs2473991062, ClinGen allele CA2580070585.

ClinVar aggregate classification (germline): Uncertain significance (1 of 4 stars; one submission).

Submission:

Labcorp Genetics (formerly Invitae), Labcorp
Classification: Uncertain significance. Last evaluated: 2025-12-01. Review status: criteria provided, single submitter. Criteria: Invitae Variant Classification Sherloc (09022015). Collection method: clinical testing. Allele origin: germline.
Comment: This sequence change replaces alanine, which is neutral and non-polar, with lysine, which is basic and polar, at codon 102 of the TFRC protein (p.Ala102Lys). This variant is present in population databases (no rsID available, gnomAD 0.008%). This variant has not been reported in the literature in individuals affected with TFRC-related conditions. ClinVar contains an entry for this variant (Variation ID: 2417948). An algorithm developed to predict the effect of missense changes on protein structure and function (PolyPhen-2) suggests that this variant is likely to be tolerated. In summary, the available evidence is currently insufficient to determine the role of this variant in disease. Therefore, it has been classified as a Variant of Uncertain Significance.